The following is an entry in ClinVar:

ClinVar aggregate classification (germline): Uncertain significance. Review status: criteria provided, single submitter (1 of 4 stars). 2 submissions from 2 submitters: Uncertain significance (1). 1 of the submissions does not count toward it. Last evaluated 2021-10-12.

Conditions:
USP15-related disorder. Also called: USP15-related condition.

Allele frequency attached by ClinVar (database versions not stated): 1000 Genomes Project 30x 0.00031; 1000 Genomes Project 0.00040; ESP Exome Variant Server 0.00046.
gnomAD v4.1: 150 of 1,613,646 alleles (0.0093%); highest among the groups gnomAD compares: African/African-American, 0.19%; no homozygotes.

Submissions (2):

Ambry Genetics
Classification: Uncertain significance. Last evaluated: 2021-10-12. Review status: criteria provided, single submitter. Criteria: Ambry Variant Classification Scheme 2023. Collection method: clinical testing. Allele origin: germline.

PreventionGenetics, part of Exact Sciences
Classification: Likely benign for USP15-related condition. Last evaluated: 2022-04-28. Review status: no assertion criteria provided. Collection method: clinical testing. Allele origin: germline. Not counted in ClinVar's aggregate classification.
Comment: This variant is classified as likely benign based on ACMG/AMP sequence variant interpretation guidelines (Richards et al. 2015 PMID: 25741868, with internal and published modifications).

NM_001252078.2(USP15):c.2061T>G (p.Asp687Glu)

Gene: USP15 (ubiquitin specific peptidase 15; plus strand). Cytogenetic location: 12q14.1.
Variant type: single nucleotide variant.
Coding change: c.2061T>G on transcript NM_001252078.2 (MANE Select); coding-DNA position 2061, T replaced by G.
Protein change: p.Asp687Glu; replaces aspartic acid 687 with glutamic acid.
Molecular consequence: missense variant. On other transcripts: non-coding transcript variant (5).
Genome position (GRCh38, 1-based): chr12:62,391,257, T>G. VCF-style: chr12-62391257-T-G. GRCh37 (hg19) VCF-style: chr12-62785037-T-G.
Other names: c.1698T>G, p.Asp566Glu (NM_001351159.2); c.1314T>G, p.Asp438Glu (NM_001351160.2); c.1062T>G, p.Asp354Glu (NM_001351163.2, NM_001351164.2, NM_001351165.2 and 1 more transcripts); c.1974T>G, p.Asp658Glu (NM_006313.3); c.2061T>G (NM_001252078.1); short protein forms D354E, D566E, D658E, D687E, D438E.
Identifiers: ClinVar variation 2360632 (VCV002360632.4), dbSNP rs139161856, ClinGen allele CA6662879.